The following is an entry in ClinVar:

NM_198252.3(GSN):c.211C>T (p.Gln71Ter)

Gene: GSN (gelsolin; plus strand). Cytogenetic location: 9q33.2.
Variant type: single nucleotide variant.
Coding change: c.211C>T on transcript NM_198252.3 (MANE Select); coding-DNA position 211, C replaced by T.
Protein change: p.Gln71Ter; replaces glutamine 71 with a stop codon.
Molecular consequence: nonsense. On other transcripts: 5 prime UTR variant (1).
Genome position (GRCh38, 1-based): chr9:121,302,925, C>T. VCF-style: chr9-121302925-C-T. GRCh37 (hg19) VCF-style: chr9-124065203-C-T.
Other names: c.364C>T, p.Gln122Ter (NM_000177.5); c.211C>T, p.Gln71Ter (NM_001127662.2, NM_001127664.2, NM_001353058.2 and 10 more transcripts); c.319C>T, p.Gln107Ter (NM_001127663.2); c.244C>T, p.Gln82Ter (NM_001353063.2, NM_001353064.2, NM_001353065.2 and 13 more transcripts); c.283C>T, p.Gln95Ter (NM_001353076.2); c.-444C>T (NM_001353078.2); c.262C>T, p.Gln88Ter (NM_001258029.2); c.235C>T, p.Gln79Ter (NM_001258030.2); short protein forms Q122*, Q82*, Q95*, Q79*, Q107*, Q71*, Q88*.
Identifiers: ClinVar variation 2102227 (VCV002102227.4), dbSNP rs2540568676, ClinGen allele CA374733356.

ClinVar aggregate classification (germline): Uncertain significance (1 of 4 stars; one submission).

Submission:

Labcorp Genetics (formerly Invitae), Labcorp
Classification: Uncertain significance. Last evaluated: 2022-02-22. Review status: criteria provided, single submitter. Criteria: Invitae Variant Classification Sherloc (09022015). Collection method: clinical testing. Allele origin: germline.
Comment: In summary, the available evidence is currently insufficient to determine the role of this variant in disease. Therefore, it has been classified as a Variant of Uncertain Significance. This variant has not been reported in the literature in individuals affected with GSN-related conditions. This variant is not present in population databases (gnomAD no frequency). This sequence change creates a premature translational stop signal (p.Gln122*) in the GSN gene. It is expected to result in an absent or disrupted protein product. However, the current clinical and genetic evidence is not sufficient to establish whether loss-of-function variants in GSN cause disease.